The following is an entry in ClinVar:

NM_015340.4(LARS2):c.1782G>T (p.Leu594=)

Gene: LARS2 (leucyl-tRNA synthetase 2, mitochondrial; plus strand). Cytogenetic location: 3p21.31.
Variant type: single nucleotide variant.
Coding change: c.1782G>T on transcript NM_015340.4 (MANE Select); coding-DNA position 1782, G replaced by T.
Protein change: p.Leu594=; no amino-acid change (leucine 594 retained).
Molecular consequence: synonymous variant.
Genome position (GRCh38, 1-based): chr3:45,513,156, G>T. VCF-style: chr3-45513156-G-T. GRCh37 (hg19) VCF-style: chr3-45554648-G-T.
Other names: c.1782G>T, p.Leu594= (NM_001368263.1).
Identifiers: ClinVar variation 227487 (VCV000227487.12), dbSNP rs145796540, ClinGen allele CA2349691.
Genomic context (GRCh38, chr3:45,513,156, plus strand): 5'-CCACTCCTCCTGTTTTCTTTTCCTGTCATCTTTCCTCAGGGAGCCTTTTCATAAGCTGCT[G>T]GCCCAAGGCCTTATCAAGGGGCAGACATTCCGCCTACCATCTGGACAGTATCTACAGAGA-3'
Protein context (NP_056155.1, residues 584-604): VKHREPFHKL[Leu594=]AQGLIKGQTF

ClinVar aggregate classification (germline): Likely benign. Review status: criteria provided, multiple submitters, no conflicts (2 of 4 stars). 3 submissions from 3 submitters: Likely benign (3). Last evaluated 2025-02-06.

Allele frequency attached by ClinVar (database versions not stated): gnomAD 0.00006; TOPMed 0.00006; gnomAD exomes 0.00021 and 0.00004; ESP Exome Variant Server 0.00023; ExAC 0.00005.
gnomAD v4.1: 308 of 1,613,010 alleles (0.019%); highest among the groups gnomAD compares: Non-Finnish European, 0.026%; no homozygotes.

Submissions (3):

Labcorp Genetics (formerly Invitae), Labcorp
Classification: Likely benign. Last evaluated: 2025-02-06. Review status: criteria provided, single submitter. Criteria: Invitae Variant Classification Sherloc (09022015). Collection method: clinical testing. Allele origin: germline.

Laboratory for Molecular Medicine, Mass General Brigham Personalized Medicine
Classification: Likely benign. Last evaluated: 2014-11-24. Review status: criteria provided, single submitter. Criteria: LMM Criteria. Collection method: clinical testing. Allele origin: germline. Observed: 1 variant allele.
Comment: Leu594Leu in exon 16 of LARS2: This variant is not expected to have clinical sig nificance because it does not alter an amino acid residue and is not located wit hin the splice consensus sequence. It has been identified in 2/8600 European Ame rican chromosomes from a broad population by the NHLBI Exome Sequencing Project (dbSNP rs145796540).

Breakthrough Genomics
Classification: Likely benign. Review status: criteria provided, single submitter. Criteria: ACMG Guidelines, 2015. Collection method: not provided. Allele origin: germline. Inheritance: Autosomal recessive inheritance. Affected: yes.